The following is an entry in ClinVar:

ClinVar aggregate classification (germline): Conflicting classifications of pathogenicity. Review status: criteria provided, conflicting classifications (1 of 4 stars). 5 submissions from 4 submitters: Uncertain significance (3); Likely benign (2). Last evaluated 2025-12-31.

Conditions:
Isolated focal cortical dysplasia type II (FCORD2). Also called: CORTICAL DYSPLASIA OF TAYLOR; Focal cortical dysplasia type II. Identifiers: Orphanet 268994, MedGen C1846385, MONDO:0011818, OMIM 607341, HP:0032051.
Tuberous sclerosis 1 (TSC1). Identifiers: Orphanet 805, MedGen C1854465, MONDO:0008612, OMIM 191100.
Hereditary cancer-predisposing syndrome. Also called: Neoplastic Syndromes, Hereditary; Hereditary Cancer Syndrome; Hereditary neoplastic syndrome; Tumor predisposition. Identifiers: Orphanet 140162, MedGen C0027672, MeSH D009386, MONDO:0015356.

Allele frequency attached by ClinVar (database versions not stated): gnomAD exomes below 0.00001 and 0.00001; TOPMed 0.00001; ExAC 0.00002.
gnomAD v4.1: 2 of 1,614,152 alleles (0.00012%); highest among the groups gnomAD compares: Admixed American, 0.0017%; no homozygotes.

Submissions (5):

Labcorp Genetics (formerly Invitae), Labcorp
Classification: Likely benign for Tuberous sclerosis 1. Last evaluated: 2025-12-31. Review status: criteria provided, single submitter. Criteria: Invitae Variant Classification Sherloc (09022015). Collection method: clinical testing. Allele origin: germline.

Ambry Genetics
Classification: Likely benign for Hereditary cancer-predisposing syndrome. Last evaluated: 2023-12-05. Review status: criteria provided, single submitter. Criteria: Ambry Variant Classification Scheme 2023. Collection method: clinical testing. Allele origin: germline.

Baylor Genetics
Classification: Uncertain significance for Isolated focal cortical dysplasia type II. Last evaluated: 2023-11-07. Review status: criteria provided, single submitter. Criteria: ACMG Guidelines, 2015. Collection method: clinical testing. Allele origin: unknown.

Genome-Nilou Lab
Classification: Uncertain significance for Tuberous sclerosis 1. Last evaluated: 2021-11-07. Review status: criteria provided, single submitter. Criteria: ACMG Guidelines, 2015. Collection method: clinical testing. Allele origin: germline. Affected: no.

Baylor Genetics
Classification: Uncertain significance for Tuberous sclerosis 1. Last evaluated: 2019-11-13. Review status: criteria provided, single submitter. Criteria: ACMG Guidelines, 2015. Collection method: clinical testing. Allele origin: maternal. Affected: yes. Study: CSER-TexasKidsCanSeq.
Comment: This variant was determined to be of uncertain significance according to ACMG Guidelines, 2015 [PMID:25741868].

NM_000368.5(TSC1):c.2369A>G (p.Tyr790Cys)

Gene: TSC1 (TSC complex subunit 1; minus strand). Cytogenetic location: 9q34.13.
Variant type: single nucleotide variant.
Coding change: c.2369A>G on transcript NM_000368.5 (MANE Select); coding-DNA position 2369, A replaced by G.
Protein change: p.Tyr790Cys; replaces tyrosine 790 with cysteine.
Molecular consequence: missense variant.
Genome position (GRCh38, 1-based): chr9:132,902,627, T>C on the plus strand (A>G on the coding strand, the complement: TSC1 is on the minus strand). VCF-style: chr9-132902627-T-C. GRCh37 (hg19) VCF-style: chr9-135778014-T-C.
Other names: c.2366A>G, p.Tyr789Cys (NM_001162426.2); c.2216A>G, p.Tyr739Cys (NM_001162427.2); c.2006A>G, p.Tyr669Cys (NM_001362177.2); short protein forms Y669C, Y790C, Y739C, Y789C.
Identifiers: ClinVar variation 644408 (VCV000644408.16), dbSNP rs749111647, ClinGen allele CA032216.